The following is an entry in ClinVar:

ClinVar aggregate classification (germline): Uncertain significance (1 of 4 stars; one submission).

Submission:

CeGaT Center for Human Genetics Tuebingen
Classification: Uncertain significance. Last evaluated: 2023-12-01. Review status: criteria provided, single submitter. Criteria: CeGaT Center For Human Genetics Tuebingen Variant Classification Criteria Version 2. Collection method: clinical testing. Allele origin: germline. Affected: yes. Observed: 1 variant allele.
Comment: TTN: PM2, BP4

NM_001267550.2(TTN):c.33380T>G (p.Val11127Gly)

Gene: TTN (titin; minus strand). Cytogenetic location: 2q31.2.
Variant type: single nucleotide variant.
Coding change: c.33380T>G on transcript NM_001267550.2 (MANE Select); coding-DNA position 33380, T replaced by G.
Protein change: p.Val11127Gly; replaces valine 11127 with glycine.
Molecular consequence: missense variant. On other transcripts: intron variant (3).
Genome position (GRCh38, 1-based): chr2:178,680,292, A>C on the plus strand (T>G on the coding strand, the complement: TTN is on the minus strand). VCF-style: chr2-178680292-A-C. GRCh37 (hg19) VCF-style: chr2-179545019-A-C.
Other names: c.32429T>G, p.Val10810Gly (NM_001256850.1); c.29648T>G, p.Val9883Gly (NM_133378.4); c.13283-37975T>G (NM_003319.4); c.13859-37975T>G (NM_133437.4); c.13658-37975T>G (NM_133432.3); short protein forms V10810G, V11127G, V9883G.
Identifiers: ClinVar variation 3026762 (VCV003026762.22), dbSNP rs2069056995, ClinGen allele CA349538421.